The following is an entry in ClinVar:

ClinVar aggregate classification (germline): Uncertain significance. Review status: criteria provided, multiple submitters, no conflicts (2 of 4 stars). 2 submissions from 2 submitters: Uncertain significance (2). Last evaluated 2024-05-08.

Conditions:
Osteogenesis imperfecta type I (OI1). Also called: Lobstein disease; OI, TYPE I; OSTEOGENESIS IMPERFECTA TARDA; OSTEOGENESIS IMPERFECTA WITH BLUE SCLERAE; Osteogenesis imperfecta type 1; Lobstein's Disease. Identifiers: Orphanet 216796, Orphanet 666, MedGen C0023931, MONDO:0008146, OMIM 166200. Disease mechanism: loss of function.
Ehlers-Danlos syndrome, classic type, 1 (EDSCL1). Also called: EDS I; EHLERS-DANLOS SYNDROME, GRAVIS TYPE; EHLERS-DANLOS SYNDROME, SEVERE CLASSIC TYPE; Ehlers-Danlos syndrome, type 1; Ehlers-Danlos Syndrome, Classic Type, COL5A1-Related. Identifiers: MedGen C0268335, MONDO:0019567, OMIM 130000.
Cardiovascular phenotype. Identifiers: MedGen CN230736.

Allele frequency attached by ClinVar (database versions not stated): gnomAD exomes 0.00001.
gnomAD v4.1: 3 of 1,614,010 alleles (0.00019%); highest among the groups gnomAD compares: Non-Finnish European, 0.00025%; no homozygotes.

Submissions (2):

Ambry Genetics
Classification: Uncertain significance for Cardiovascular phenotype. Last evaluated: 2024-05-08. Review status: criteria provided, single submitter. Criteria: Ambry Variant Classification Scheme 2023. Collection method: clinical testing. Allele origin: germline.
Comment: The p.D1297N variant (also known as c.3889G>A), located in coding exon 51 of the COL1A2 gene, results from a G to A substitution at nucleotide position 3889. The aspartic acid at codon 1297 is replaced by asparagine, an amino acid with highly similar properties. This amino acid position is highly conserved in available vertebrate species. In addition, the in silico prediction for this alteration is inconclusive. Based on the available evidence, the clinical significance of this variant remains unclear.

Labcorp Genetics (formerly Invitae), Labcorp
Classification: Uncertain significance for Osteogenesis imperfecta type I; Ehlers-Danlos syndrome, classic type, 1. Last evaluated: 2023-01-19. Review status: criteria provided, single submitter. Criteria: Invitae Variant Classification Sherloc (09022015). Collection method: clinical testing. Allele origin: germline.
Comment: This variant has not been reported in the literature in individuals affected with COL1A2-related conditions. This variant is not present in population databases (gnomAD no frequency). This sequence change replaces aspartic acid, which is acidic and polar, with asparagine, which is neutral and polar, at codon 1297 of the COL1A2 protein (p.Asp1297Asn). In summary, the available evidence is currently insufficient to determine the role of this variant in disease. Therefore, it has been classified as a Variant of Uncertain Significance. Advanced modeling of protein sequence and biophysical properties (such as structural, functional, and spatial information, amino acid conservation, physicochemical variation, residue mobility, and thermodynamic stability) has been performed at Invitae for this missense variant, however the output from this modeling did not meet the statistical confidence thresholds required to predict the impact of this variant on COL1A2 protein function.

NM_000089.4(COL1A2):c.3889G>A (p.Asp1297Asn)

Gene: COL1A2 (collagen type I alpha 2 chain; plus strand). Cytogenetic location: 7q21.3.
Variant type: single nucleotide variant.
Coding change: c.3889G>A on transcript NM_000089.4 (MANE Select); coding-DNA position 3889, G replaced by A.
Protein change: p.Asp1297Asn; replaces aspartic acid 1297 with asparagine.
Molecular consequence: missense variant.
Genome position (GRCh38, 1-based): chr7:94,429,365, G>A. VCF-style: chr7-94429365-G-A. GRCh37 (hg19) VCF-style: chr7-94058677-G-A.
Other names: short protein forms D1297N.
Identifiers: ClinVar variation 2924190 (VCV002924190.4), dbSNP rs2484741966, ClinGen allele CA368226971.
Genomic context (GRCh38, chr7:94,429,365, plus strand): 5'-GCATACATGGATGAGGAGACTGGCAACCTGAAAAAGGCTGTCATTCTACAGGGCTCTAAT[G>A]ATGTTGAACTTGTTGCTGAGGGCAACAGCAGGTTCACTTACACTGTTCTTGTAGATGGCT-3'
Protein context (NP_000080.2, residues 1287-1307): KKAVILQGSN[Asp1297Asn]VELVAEGNSR